The following is an entry in ClinVar:

ClinVar aggregate classification (germline): Pathogenic/Likely pathogenic. Review status: criteria provided, multiple submitters, no conflicts (2 of 4 stars). 2 submissions from 2 submitters: Pathogenic (1); Likely pathogenic (1). Last evaluated 2021-03-23.

Conditions:
OCRL-related disorder. Also called: OCRL-related condition.
Lowe syndrome (OCRL). Also called: PHOSPHATIDYLINOSITOL 4,5-BISPHOSPHATE 5-PHOSPHATASE DEFICIENCY; LOWE OCULOCEREBRORENAL SYNDROME; Oculocerebrorenal Syndrome. Identifiers: Orphanet 534, MedGen C0028860, MONDO:0010645, OMIM 309000.

Submissions (2):

Blueprint Genetics
Classification: Likely pathogenic for OCRL-related disorders. Last evaluated: 2021-03-23. Review status: criteria provided, single submitter. Criteria: ACMG Guidelines, 2015. Collection method: clinical testing. Allele origin: germline. Affected: yes. Observed: 1 variant allele.

Labcorp Genetics (formerly Invitae), Labcorp
Classification: Pathogenic for Lowe syndrome. Last evaluated: 2019-08-08. Review status: criteria provided, single submitter. Criteria: Invitae Variant Classification Sherloc (09022015). Collection method: clinical testing. Allele origin: germline.
Comment: For these reasons, this variant has been classified as Pathogenic. This variant has been reported to affect OCRL protein function (PMID: 21233288, 21666675, 17765681). This variant has been observed in a family affected with Lowe syndrome (PMID: 10923037). This variant is also known as 929 del GAG (delE568) in the literature. This variant is not present in population databases (ExAC no frequency). This variant, c.1753_1755del, results in the deletion of 1 amino acid of the OCRL protein (p.Glu585del) but otherwise preserves the integrity of the reading frame.

Literature cited by the submitters: PubMed 21233288 (cited by Labcorp Genetics (formerly Invitae), Labcorp); PubMed 21666675 (cited by Labcorp Genetics (formerly Invitae), Labcorp); PubMed 17765681 (cited by Labcorp Genetics (formerly Invitae), Labcorp); PubMed 10923037 (cited by Labcorp Genetics (formerly Invitae), Labcorp).

NM_000276.4(OCRL):c.1753_1755del (p.Glu585del)

Gene: OCRL (OCRL inositol polyphosphate-5-phosphatase; plus strand). Cytogenetic location: Xq26.1.
Variant type: Deletion.
Coding change: c.1753_1755del on transcript NM_000276.4 (MANE Select); coding-DNA positions 1753 to 1755, 3 bases deleted (GAG; older notation c.1753_1755delGAG).
Protein change: p.Glu585del; deletes glutamic acid 585.
Molecular consequence: inframe deletion.
Genome position (GRCh38, 1-based): chrX:129,575,936-129,575,938, GAG deleted; deleting any 3 consecutive bases within chrX:129,575,934-129,575,938 gives the same sequence; the c. name uses the placement nearest the transcript's 3' end. VCF-style (leftmost placement, unchanged base first): chrX-129575933-AAGG-A. GRCh37 (hg19) VCF-style: chrX-128709910-AAGG-A.
Other names: c.1756_1758del, p.Glu586del (NM_001318784.2); c.1753_1755del, p.Glu585del (NM_001587.4); short protein forms E586del, E585del.
Identifiers: ClinVar variation 846443 (VCV000846443.10), dbSNP rs1936362098, ClinGen allele CA916083998.
Genomic context (GRCh38, chrX:129,575,933, plus strand): 5'-TTGTGTCTGTCTGTTATTCCCCAGTTTGTGTTTGAAAATGTGAAGTTTCGGCAACTACAA[AAGG>A]AGAAGTTCCAGATCAGCAACAATGGACAGGTTCCCTGCCATTTTTCTTTCATCCCTAAAC-3'